The following is an entry in ClinVar:

NM_001395413.1(POR):c.1721T>C (p.Leu574Pro)

Gene: POR (cytochrome p450 oxidoreductase; plus strand). Cytogenetic location: 7q11.23.
Variant type: single nucleotide variant.
Coding change: c.1721T>C on transcript NM_001395413.1 (MANE Select); coding-DNA position 1721, T replaced by C.
Protein change: p.Leu574Pro; replaces leucine 574 with proline.
Molecular consequence: missense variant.
Genome position (GRCh38, 1-based): chr7:75,985,983, T>C. VCF-style: chr7-75985983-T-C. GRCh37 (hg19) VCF-style: chr7-75615301-T-C.
Other names: c.1730T>C (NM_000941.3); c.1721T>C, p.Leu574Pro (NM_001367562.3, NM_001382657.2, NM_001382658.3 and 1 more transcripts); c.1775T>C, p.Leu592Pro (NM_001382655.3); c.1571T>C, p.Leu524Pro (NM_001382662.3); short protein forms L524P, L574P, L592P.
Identifiers: ClinVar variation 440188 (VCV000440188.23), dbSNP rs56256515, ClinGen allele CA4304264.

ClinVar aggregate classification (germline): Uncertain significance. Review status: criteria provided, multiple submitters, no conflicts (2 of 4 stars). 9 submissions from 9 submitters: Uncertain significance (8). 1 of the submissions does not count toward it. Last evaluated 2026-04-27.

Conditions:
Congenital adrenal hyperplasia due to cytochrome P450 oxidoreductase deficiency. Also called: DISORDERED STEROIDOGENESIS DUE TO POR DEFICIENCY. Identifiers: Orphanet 95699, MedGen C1860042, MONDO:0013310, OMIM 613571.

Allele frequency attached by ClinVar (database versions not stated): TOPMed 0.00076; ESP Exome Variant Server 0.00106; ExAC 0.00109.
gnomAD v4.1: 1,742 of 1,582,022 alleles (0.11%); highest among the groups gnomAD compares: Non-Finnish European, 0.14%; 1 homozygote.

Submissions (9):

Women's Health and Genetics/Laboratory Corporation of America, LabCorp
Classification: Uncertain significance. Last evaluated: 2026-04-27. Review status: criteria provided, single submitter. Criteria: LabCorp Variant Classification Summary - May 2015. Collection method: clinical testing. Allele origin: germline.
Comment: Variant summary: POR c.1721T>C (p.Leu574Pro) results in a non-conservative amino acid change in the encoded protein sequence. Four of four in-silico tools predict a damaging effect of the variant on protein function. The variant allele was found at a frequency of 0.00053 in 194968 control chromosomes (gnomAD). This frequency is not significantly higher than estimated for a pathogenic variant in POR causing Congenital Adrenal Hyperplasia (0.00053 vs 0.00091), allowing no conclusion about variant significance. To our knowledge, no occurrence of c.1721T>C in individuals affected with Congenital Adrenal Hyperplasia has been reported. At least one publication reports experimental evidence evaluating an impact on protein function, finding that the variant results in moderately reduced enzymatic activity (Rojas Velazquez_2023). The following publication has been ascertained in the context of this evaluation (PMID: 38136599). ClinVar contains an entry for this variant (Variation ID: 440188). Based on the evidence outlined above, the variant was classified as uncertain significance.

GeneDx
Classification: Uncertain significance. Last evaluated: 2025-02-01. Review status: criteria provided, single submitter. Criteria: GeneDx Variant Classification Process June 2021. Collection method: clinical testing. Allele origin: germline. Affected: yes.
Comment: Published functional studies demonstrate this variant results in reduced stability, reduced kinase activity, and enzymatic activity of drug-metabolizing cytochrome P450s (PMID: 38136599); In silico analysis supports that this missense variant has a deleterious effect on protein structure/function; This variant is associated with the following publications: (PMID: 17827787, 23353702, 27439448, 18551037, 27488389, 18216718, 27729266, 24847272, 27271371, 19374516, 18455494, 38136599)

Labcorp Genetics (formerly Invitae), Labcorp
Classification: Uncertain significance for Congenital adrenal hyperplasia due to cytochrome P450 oxidoreductase deficiency. Last evaluated: 2024-11-05. Review status: criteria provided, single submitter. Criteria: Invitae Variant Classification Sherloc (09022015). Collection method: clinical testing. Allele origin: germline.
Comment: This sequence change replaces leucine, which is neutral and non-polar, with proline, which is neutral and non-polar, at codon 577 of the POR protein (p.Leu577Pro). This variant is present in population databases (rs56256515, gnomAD 0.1%), and has an allele count higher than expected for a pathogenic variant. This variant has not been reported in the literature in individuals affected with POR-related conditions. ClinVar contains an entry for this variant (Variation ID: 440188). Invitae Evidence Modeling of protein sequence and biophysical properties (such as structural, functional, and spatial information, amino acid conservation, physicochemical variation, residue mobility, and thermodynamic stability) indicates that this missense variant is not expected to disrupt POR protein function with a negative predictive value of 80%. In summary, the available evidence is currently insufficient to determine the role of this variant in disease. Therefore, it has been classified as a Variant of Uncertain Significance.

Blueprint Genetics
Classification: Uncertain significance. Last evaluated: 2024-09-09. Review status: criteria provided, single submitter. Criteria: ACMG Guidelines, 2015. Collection method: clinical testing. Allele origin: germline.

Revvity Omics, Revvity
Classification: Uncertain significance. Last evaluated: 2019-04-02. Review status: criteria provided, single submitter. Criteria: ACMG Guidelines, 2015. Collection method: clinical testing. Allele origin: germline.

Illumina Laboratory Services, Illumina
Classification: Uncertain significance for Congenital adrenal hyperplasia due to cytochrome P450 oxidoreductase deficiency. Last evaluated: 2017-04-27. Review status: criteria provided, single submitter. Criteria: ICSL Variant Classification Criteria 13 December 2019. Collection method: clinical testing. Allele origin: germline.

ARUP Laboratories, Molecular Genetics and Genomics, ARUP Laboratories
Classification: Uncertain significance. Last evaluated: 2017-01-23. Review status: criteria provided, single submitter. Criteria: ARUP Molecular Germline Variant Investigation Process. Collection method: clinical testing. Allele origin: germline.

Breakthrough Genomics
Classification: Uncertain significance. Review status: criteria provided, single submitter. Criteria: ACMG Guidelines, 2015. Collection method: not provided. Allele origin: germline. Inheritance: Autosomal recessive inheritance. Affected: yes.

Department of Pathology and Laboratory Medicine, Sinai Health System
Classification: Uncertain significance. Review status: no assertion criteria provided. Collection method: clinical testing. Allele origin: unknown. Affected: yes. Study: The Canadian Open Genetics Repository (COGR). Not counted in ClinVar's aggregate classification.
Comment: The POR p.L577P variant was identified in dbSNP (ID: rs56256515) and ClinVar (classified as uncertain significance by ARUP Laboratories). The variant was identified in control databases in 120 of 226358 chromosomes at a frequency of 0.0005301 increasing the likelihood this could be a low frequency benign variant (Genome Aggregation Database March 6, 2019, v2.1.1). The variant was observed in the following populations: European (non-Finnish) in 112 of 99994 chromosomes (freq: 0.00112), Other in 2 of 6178 chromosomes (freq: 0.000324), African in 2 of 19524 chromosomes (freq: 0.000102), Latino in 3 of 29400 chromosomes (freq: 0.000102) and European (Finnish) in 1 of 20572 chromosomes (freq: 0.000049), but was not observed in the Ashkenazi Jewish, East Asian, or South Asian populations. The p.L577 residue is conserved in mammals but not in more distantly related organisms, and four out of five computational analyses (PolyPhen-2, SIFT, AlignGVGD, BLOSUM, MutationTaster) suggest that the variant may impact the protein; however, this information is not predictive enough to assume pathogenicity. The variant occurs outside of the splicing consensus sequence and in silico or computational prediction software programs (SpliceSiteFinder, MaxEntScan, NNSPLICE, GeneSplicer) do not predict a difference in splicing. Functional analysis demonstrated decreased POR activity from the p.L577P variant compared to wildtype (Hart_2008_PMID:18216718). In summary, based on the above information the clinical significance of this variant cannot be determined with certainty at this time. This variant is classified as a variant of uncertain significance.

Literature cited by the submitters: PubMed 38136599 (cited by Women's Health and Genetics/Laboratory Corporation of America, LabCorp).